The following is an entry in ClinVar:

ClinVar aggregate classification (germline): Uncertain significance. Review status: criteria provided, multiple submitters, no conflicts (2 of 4 stars). 2 submissions from 2 submitters: Uncertain significance (2). Last evaluated 2024-07-09.

Allele frequency attached by ClinVar (database versions not stated): gnomAD 0.00001 and 0.00003; TOPMed 0.00004; gnomAD exomes 0.00007 and 0.00016; ESP Exome Variant Server 0.00008; ExAC 0.00019.
gnomAD v4.1: 104 of 1,613,468 alleles (0.0064%); highest among the groups gnomAD compares: South Asian, 0.093%; 1 homozygote.

Submissions (2):

Women's Health and Genetics/Laboratory Corporation of America, LabCorp
Classification: Uncertain significance. Last evaluated: 2024-07-09. Review status: criteria provided, single submitter. Criteria: LabCorp Variant Classification Summary - May 2015. Collection method: clinical testing. Allele origin: germline.
Comment: Variant summary: VWF c.1483G>A (p.Gly495Arg) results in a non-conservative amino acid change located in the von Willebrand factor, type D domain (IPR001846) of the encoded protein sequence. Three of five in-silico tools predict a benign effect of the variant on protein function. The variant allele was found at a frequency of 0.00016 in 250250 control chromosomes, predominantly at a frequency of 0.0013 within the South Asian subpopulation in the gnomAD database. This frequency is not significantly higher than estimated for a pathogenic variant in VWF causing Von Willebrand Disease, allowing no conclusion about variant significance. To our knowledge, no occurrence of c.1483G>A in individuals affected with Von Willebrand Disease and no experimental evidence demonstrating its impact on protein function have been reported. ClinVar contains an entry for this variant (Variation ID: 391498). Based on the evidence outlined above, the variant was classified as uncertain significance.

GeneDx
Classification: Uncertain significance. Last evaluated: 2016-12-22. Review status: criteria provided, single submitter. Criteria: GeneDx Variant Classification (06012015). Collection method: clinical testing. Allele origin: germline. Affected: yes.
Comment: The G495R variant in the VWF gene has not been reported previously as a pathogenic variant, nor as a benign variant, to our knowledge. The G495R variant was not observed at any significant frequency in approximately 6,500 individuals of European and African American ancestry in the NHLBI Exome Sequencing Project, indicating it is not a common benign variant in these populations. The G495R variant is a non-conservative amino acid substitution, which is likely to impact secondary protein structure as these residues differ in polarity, charge, size and/or other properties. This substitution occurs at a position that is not conserved. In silico analysis is inconsistent in its predictions as to whether or not the variant is damaging to the protein structure/function. As an alternate mechanism, multiple in silico algorithms predict that c.1483G>A (aka G495R) might create a cryptic acceptor site in exon 13, which may supplant the natural acceptor site. However, in the absence of RNA/functional studies, the actual effect of c.1483G>A in this individual is unknown. We interpret G495R as a variant of uncertain significance.

NM_000552.5(VWF):c.1483G>A (p.Gly495Arg)

Gene: VWF (von Willebrand factor; minus strand). Cytogenetic location: 12p13.31.
Variant type: single nucleotide variant.
Coding change: c.1483G>A on transcript NM_000552.5 (MANE Select); coding-DNA position 1483, G replaced by A.
Protein change: p.Gly495Arg; replaces glycine 495 with arginine.
Molecular consequence: missense variant.
Genome position (GRCh38, 1-based): chr12:6,063,004, C>T on the plus strand (G>A on the coding strand, the complement: VWF is on the minus strand). VCF-style: chr12-6063004-C-T. GRCh37 (hg19) VCF-style: chr12-6172170-C-T.
Other names: short protein forms G495R.
Identifiers: ClinVar variation 391498 (VCV000391498.3), dbSNP rs369852695, ClinGen allele CA6403382.